The following is an entry in ClinVar:

ClinVar aggregate classification (germline): Uncertain significance. Review status: criteria provided, multiple submitters, no conflicts (2 of 4 stars). 2 submissions from 2 submitters: Uncertain significance (2). Last evaluated 2025-02-11.

Allele frequency attached by ClinVar (database versions not stated): gnomAD exomes below 0.00001; ExAC 0.00001.
gnomAD v4.1: 3 of 1,614,206 alleles (0.00019%); highest among the groups gnomAD compares: South Asian, 0.0011%; no homozygotes.

Submissions (2):

Dasa
Classification: Uncertain significance. Last evaluated: 2025-02-11. Review status: criteria provided, single submitter. Criteria: DASA Assertion Criteria. Collection method: clinical testing. Allele origin: germline.
Comment: NM_001375524.1(TRRAP):c.6293A>G (p.Lys2098Arg) is a missense variant that results in the substitution of lysine with arginine. This variant is rare in population databases. Computational prediction algorithms are consistent with a benign effect. The currently available literature and clinical evidence are not sufficient to establish a definitive association between this variant and the reported condition. Therefore, this variant is classified as a variant of uncertain significance.

Labcorp Genetics (formerly Invitae), Labcorp
Classification: Uncertain significance. Last evaluated: 2023-08-17. Review status: criteria provided, single submitter. Criteria: Invitae Variant Classification Sherloc (09022015). Collection method: clinical testing. Allele origin: germline.
Comment: This variant has not been reported in the literature in individuals affected with TRRAP-related conditions. In summary, the available evidence is currently insufficient to determine the role of this variant in disease. Therefore, it has been classified as a Variant of Uncertain Significance. Advanced modeling of protein sequence and biophysical properties (such as structural, functional, and spatial information, amino acid conservation, physicochemical variation, residue mobility, and thermodynamic stability) performed at Invitae indicates that this missense variant is not expected to disrupt TRRAP protein function. This variant is present in population databases (rs782276979, gnomAD 0.003%). This sequence change replaces lysine, which is basic and polar, with arginine, which is basic and polar, at codon 2073 of the TRRAP protein (p.Lys2073Arg).

NM_001375524.1(TRRAP):c.6293A>G (p.Lys2098Arg)

Gene: TRRAP (transformation/transcription domain associated protein; plus strand). Cytogenetic location: 7q22.1.
Variant type: single nucleotide variant.
Coding change: c.6293A>G on transcript NM_001375524.1 (MANE Select); coding-DNA position 6293, A replaced by G.
Protein change: p.Lys2098Arg; replaces lysine 2098 with arginine.
Molecular consequence: missense variant.
Genome position (GRCh38, 1-based): chr7:98,958,042, A>G. VCF-style: chr7-98958042-A-G. GRCh37 (hg19) VCF-style: chr7-98555665-A-G.
Other names: c.6272A>G, p.Lys2091Arg (NM_001244580.2); c.6218A>G, p.Lys2073Arg (NM_003496.4); short protein forms K2091R, K2098R, K2073R.
Identifiers: ClinVar variation 2874517 (VCV002874517.5), dbSNP rs782276979, ClinGen allele CA4360809.